The following is an entry in ClinVar:

ClinVar aggregate classification (germline): Uncertain significance (1 of 4 stars; one submission).

Conditions:
Hereditary cancer-predisposing syndrome. Also called: Neoplastic Syndromes, Hereditary; Tumor predisposition; Hereditary Cancer Syndrome; Hereditary neoplastic syndrome. Identifiers: Orphanet 140162, MedGen C0027672, MeSH D009386, MONDO:0015356.

Submission:

Ambry Genetics
Classification: Uncertain significance for Hereditary cancer-predisposing syndrome. Last evaluated: 2026-02-24. Review status: criteria provided, single submitter. Criteria: Ambry Variant Classification Scheme 2023. Collection method: clinical testing. Allele origin: germline.
Comment: The p.K311Q variant (also known as c.931A>C), located in coding exon 6 of the PTCH1 gene, results from an A to C substitution at nucleotide position 931. The lysine at codon 311 is replaced by glutamine, an amino acid with similar properties. This amino acid position is conserved. In addition, the in silico prediction for this alteration is inconclusive. Based on the available evidence, the clinical significance of this variant remains unclear.

NM_000264.5(PTCH1):c.931A>C (p.Lys311Gln)

Gene: PTCH1 (patched 1; minus strand). Cytogenetic location: 9q22.32.
Variant type: single nucleotide variant.
Coding change: c.931A>C on transcript NM_000264.5 (MANE Select); coding-DNA position 931, A replaced by C.
Protein change: p.Lys311Gln; replaces lysine 311 with glutamine.
Molecular consequence: missense variant. On other transcripts: non-coding transcript variant (1).
Genome position (GRCh38, 1-based): chr9:95,480,404, T>G on the plus strand (A>C on the coding strand, the complement: PTCH1 is on the minus strand). VCF-style: chr9-95480404-T-G. GRCh37 (hg19) VCF-style: chr9-98242686-T-G.
Other names: c.733A>C, p.Lys245Gln (NM_001083602.3); c.928A>C, p.Lys310Gln (NM_001083603.3); c.478A>C, p.Lys160Gln (NM_001083604.3, NM_001083605.3, NM_001083606.3 and 1 more transcripts); c.931A>C, p.Lys311Gln (NM_001354918.2); short protein forms K160Q, K311Q, K310Q, K245Q.
Identifiers: ClinVar variation 4826362 (VCV004826362.1).
Genomic context (GRCh38, chr9:95,480,404, plus strand): 5'-TGTTTTGCTCTCCACCCTTCTGAGAGCGCTCACTGCTGGTACTCACTTTGGTTGAATTTT[T>G]GTTGGGGGCTGTGGCGGGGCAGTCTGGATCGGCCGGATTGAGGCAGGGGCGGTCCATGTA-3'
Protein context (NP_000255.2, residues 301-321): DPDCPATAPN[Lys311Gln]NSTKPLDMAL